The following is an entry in ClinVar:

NM_024721.5(ZFHX4):c.9001G>A (p.Gly3001Arg)

Gene: ZFHX4 (zinc finger homeobox 4; plus strand). Cytogenetic location: 8q21.13.
Variant type: single nucleotide variant.
Coding change: c.9001G>A on transcript NM_024721.5 (MANE Select); coding-DNA position 9001, G replaced by A.
Protein change: p.Gly3001Arg; replaces glycine 3001 with arginine.
Molecular consequence: missense variant.
Genome position (GRCh38, 1-based): chr8:76,855,922, G>A. VCF-style: chr8-76855922-G-A. GRCh37 (hg19) VCF-style: chr8-77768158-G-A.
Other names: c.8923G>A, p.Gly2975Arg (NM_001410934.1); short protein forms G2975R, G3001R.
Identifiers: ClinVar variation 3900278 (VCV003900278.2).

ClinVar aggregate classification (germline): Uncertain significance. Review status: criteria provided, multiple submitters, no conflicts (2 of 4 stars). 2 submissions from 2 submitters: Uncertain significance (2). Last evaluated 2025-12-11.

gnomAD v4.1: 33 of 1,613,736 alleles (0.002%); highest among the groups gnomAD compares: South Asian, 0.021%; no homozygotes.

Submissions (2):

Ambry Genetics
Classification: Uncertain significance. Last evaluated: 2025-12-11. Review status: criteria provided, single submitter. Criteria: Ambry Variant Classification Scheme 2023. Collection method: clinical testing. Allele origin: germline.

GeneDx
Classification: Uncertain significance. Last evaluated: 2022-10-19. Review status: criteria provided, single submitter. Criteria: GeneDx Variant Classification Process June 2021. Collection method: clinical testing. Allele origin: germline. Affected: yes.
Comment: In silico analysis supports that this missense variant has a deleterious effect on protein structure/function; Has not been previously published as pathogenic or benign to our knowledge; Variants in candidate genes are classified as variants of uncertain significance in accordance with ACMG guidelines (Richards et al., 2015)